The following is an entry in ClinVar:

NM_030777.4(SLC2A10):c.1412G>A (p.Gly471Asp)

Gene: SLC2A10 (solute carrier family 2 member 10; plus strand). Cytogenetic location: 20q13.12.
Variant type: single nucleotide variant.
Coding change: c.1412G>A on transcript NM_030777.4 (MANE Select); coding-DNA position 1412, G replaced by A.
Protein change: p.Gly471Asp; replaces glycine 471 with aspartic acid.
Molecular consequence: missense variant.
Genome position (GRCh38, 1-based): chr20:46,729,353, G>A. VCF-style: chr20-46729353-G-A. GRCh37 (hg19) VCF-style: chr20-45357992-G-A.
Other names: short protein forms G471D.
Identifiers: ClinVar variation 1933321 (VCV001933321.4), dbSNP rs774133507, ClinGen allele CA9892206.

ClinVar aggregate classification (germline): Uncertain significance (1 of 4 stars; one submission).

Conditions:
Arterial tortuosity syndrome (ATORS). Identifiers: Orphanet 3342, MedGen C1859726, MONDO:0008818, OMIM 208050.

Submission:

Labcorp Genetics (formerly Invitae), Labcorp
Classification: Uncertain significance for Arterial tortuosity syndrome. Last evaluated: 2024-06-17. Review status: criteria provided, single submitter. Criteria: Invitae Variant Classification Sherloc (09022015). Collection method: clinical testing. Allele origin: germline.
Comment: This sequence change replaces glycine, which is neutral and non-polar, with aspartic acid, which is acidic and polar, at codon 471 of the SLC2A10 protein (p.Gly471Asp). This variant is present in population databases (rs774133507, gnomAD 0.006%). This variant has not been reported in the literature in individuals affected with SLC2A10-related conditions. ClinVar contains an entry for this variant (Variation ID: 1933321). An algorithm developed to predict the effect of missense changes on protein structure and function (PolyPhen-2) suggests that this variant is likely to be disruptive. In summary, the available evidence is currently insufficient to determine the role of this variant in disease. Therefore, it has been classified as a Variant of Uncertain Significance.